The following is an entry in ClinVar:

ClinVar aggregate classification (germline): Likely benign. Review status: criteria provided, multiple submitters, no conflicts (2 of 4 stars). 3 submissions from 3 submitters: Likely benign (3). Last evaluated 2026-02-18.

Conditions:
Glucose-6-phosphate transport defect (GSD1B). Also called: GSD Ib; Glycogen Storage Disease Type Ib. Identifiers: Orphanet 364, Orphanet 79259, MedGen C0268146, MONDO:0009288, OMIM 232220.

Allele frequency attached by ClinVar (database versions not stated): gnomAD 0.00001; TOPMed 0.00001.

Submissions (3):

Women's Health and Genetics/Laboratory Corporation of America, LabCorp
Classification: Likely benign. Last evaluated: 2026-02-18. Review status: criteria provided, single submitter. Criteria: LabCorp Variant Classification Summary - May 2015. Collection method: clinical testing. Allele origin: germline.
Comment: Variant summary: SLC37A4 c.939G>A results in a synonymous change. Consensus agreement among computation tools predict no significant impact on normal splicing. However, these predictions have yet to be confirmed by functional studies. The variant allele was found at a frequency of 1.7e-05 in 240974 control chromosomes. The available data on variant occurrences in the general population are insufficient to allow any conclusion about variant significance. To our knowledge, no occurrence of c.939G>A in individuals affected with SLC37A4-related conditions and no experimental evidence demonstrating its impact on protein function have been reported. ClinVar contains an entry for this variant (Variation ID: 1114205). Based on the evidence outlined above, the variant was classified as likely benign.

Blueprint Genetics
Classification: Likely benign. Last evaluated: 2024-04-09. Review status: criteria provided, single submitter. Criteria: ACMG Guidelines, 2015. Collection method: clinical testing. Allele origin: germline.

Labcorp Genetics (formerly Invitae), Labcorp
Classification: Likely benign for Glucose-6-phosphate transport defect. Last evaluated: 2023-12-18. Review status: criteria provided, single submitter. Criteria: Invitae Variant Classification Sherloc (09022015). Collection method: clinical testing. Allele origin: germline.

NM_001164277.2(SLC37A4):c.939G>A (p.Val313=)

Gene: SLC37A4 (solute carrier family 37 member 4; minus strand). Cytogenetic location: 11q23.3.
Variant type: single nucleotide variant.
Coding change: c.939G>A on transcript NM_001164277.2 (MANE Select); coding-DNA position 939, G replaced by A.
Protein change: p.Val313=; no amino-acid change (valine 313 retained).
Molecular consequence: synonymous variant.
Genome position (GRCh38, 1-based): chr11:119,026,012, C>T on the plus strand (G>A on the coding strand, the complement: SLC37A4 is on the minus strand). VCF-style: chr11-119026012-C-T. GRCh37 (hg19) VCF-style: chr11-118896722-C-T.
Other names: c.939G>A, p.Val313= (NM_001164278.2, NM_001164280.2, NM_001467.6); c.720G>A, p.Val240= (NM_001164279.2).
Identifiers: ClinVar variation 1114205 (VCV001114205.11), dbSNP rs782577230, ClinGen allele CA6311686.
Genomic context (GRCh38, chr11:119,026,012, plus strand): 5'-GCCTTTCTTAATTACCTTGGGGGAGTCACTGGTCACTGTTACCCGGAAGAGGTACATGGA[C>T]ACTGTCATGCCAGCCATCATGAACAGCAACAGGCCATGGCGAGGGTTCCCGTAGTTGGAC-3'
Protein context (NP_001157749.1, residues 303-323): LLLFMMAGMT[Val313=]SMYLFRVTVT